The following is an entry in ClinVar:

ClinVar aggregate classification (germline): Uncertain significance. Review status: criteria provided, multiple submitters, no conflicts (2 of 4 stars). 2 submissions from 2 submitters: Uncertain significance (2). Last evaluated 2025-04-16.

Allele frequency attached by ClinVar (database versions not stated): TOPMed below 0.00001; gnomAD 0.00001.
gnomAD v4.1: 2 of 1,613,892 alleles (0.00012%); highest among the groups gnomAD compares: Non-Finnish European, 0.00017%; no homozygotes.

Submissions (2):

Labcorp Genetics (formerly Invitae), Labcorp
Classification: Uncertain significance. Last evaluated: 2025-04-16. Review status: criteria provided, single submitter. Criteria: Invitae Variant Classification Sherloc (09022015). Collection method: clinical testing. Allele origin: germline.
Comment: This sequence change replaces serine, which is neutral and polar, with phenylalanine, which is neutral and non-polar, at codon 544 of the PRPF3 protein (p.Ser544Phe). This variant is not present in population databases (gnomAD no frequency). This variant has not been reported in the literature in individuals affected with PRPF3-related conditions. ClinVar contains an entry for this variant (Variation ID: 1422537). Invitae Evidence Modeling of protein sequence and biophysical properties (such as structural, functional, and spatial information, amino acid conservation, physicochemical variation, residue mobility, and thermodynamic stability) has been performed for this missense variant. However, the output from this modeling did not meet the statistical confidence thresholds required to predict the impact of this variant on PRPF3 protein function. In summary, the available evidence is currently insufficient to determine the role of this variant in disease. Therefore, it has been classified as a Variant of Uncertain Significance.

Blueprint Genetics
Classification: Uncertain significance. Last evaluated: 2022-12-09. Review status: criteria provided, single submitter. Criteria: ACMG Guidelines, 2015. Collection method: clinical testing. Allele origin: germline.

NM_004698.4(PRPF3):c.1631C>T (p.Ser544Phe)

Gene: PRPF3 (pre-mRNA processing factor 3; plus strand). Cytogenetic location: 1q21.2.
Variant type: single nucleotide variant.
Coding change: c.1631C>T on transcript NM_004698.4 (MANE Select); coding-DNA position 1631, C replaced by T.
Protein change: p.Ser544Phe; replaces serine 544 with phenylalanine.
Molecular consequence: missense variant. On other transcripts: non-coding transcript variant (4).
Genome position (GRCh38, 1-based): chr1:150,344,538, C>T. VCF-style: chr1-150344538-C-T. GRCh37 (hg19) VCF-style: chr1-150317014-C-T.
Other names: c.1226C>T, p.Ser409Phe (NM_001350529.1); short protein forms S409F, S544F.
Identifiers: ClinVar variation 1422537 (VCV001422537.7), dbSNP rs1413680618, ClinGen allele CA342283653.
Genomic context (GRCh38, chr1:150,344,538, plus strand): 5'-AGAGAAAGGTCAAGAAAATTAAAAAGCTTAAAGAAGACATTTCACAGGGGGTACACATAT[C>T]TGTATATAGGTAGGTGTCCATACTGGGCCAAACTTCCCCTTAGAATTACTAAAACATTTT-3'
Protein context (NP_004689.1, residues 534-554): KEDISQGVHI[Ser544Phe]VYRVRNLSNP